The following is an entry in ClinVar:

NM_001160148.2(DDHD1):c.127C>T (p.His43Tyr)

Gene: DDHD1 (DDHD domain containing 1; minus strand). Cytogenetic location: 14q22.1.
Variant type: single nucleotide variant.
Coding change: c.127C>T on transcript NM_001160148.2 (MANE Select); coding-DNA position 127, C replaced by T.
Protein change: p.His43Tyr; replaces histidine 43 with tyrosine.
Molecular consequence: missense variant.
Genome position (GRCh38, 1-based): chr14:53,152,972, G>A on the plus strand (C>T on the coding strand, the complement: DDHD1 is on the minus strand). VCF-style: chr14-53152972-G-A. GRCh37 (hg19) VCF-style: chr14-53619690-G-A.
Other names: c.127C>T, p.His43Tyr (NM_001160147.2, NM_030637.3); c.127C>T (NM_001160148.1); short protein forms H43Y.
Identifiers: ClinVar variation 1446047 (VCV001446047.5), dbSNP rs751145177, ClinGen allele CA7191587.
Genomic context (GRCh38, chr14:53,152,972, plus strand): 5'-GTTCCCCGCGCAGCAGGGCCAGGGGCACGTCGCCGTCGTCCGGGTCCCCGCCGGGCAGGT[G>A]CTCGAAGCAGCAGACGCCGCCGCCGAACGCTGGCCTCGCGTCTGAGCCCAGCTCCCAGGC-3'
Protein context (NP_001153620.1, residues 33-53): AFGGGVCCFE[His43Tyr]LPGGDPDDGD

ClinVar aggregate classification (germline): Uncertain significance. Review status: criteria provided, multiple submitters, no conflicts (2 of 4 stars). 2 submissions from 2 submitters: Uncertain significance (2). Last evaluated 2025-03-19.

Conditions:
Inborn genetic diseases. Identifiers: MedGen C0950123, MeSH D030342.
Hereditary spastic paraplegia 28. Also called: Spastic paraplegia 28, autosomal recessive. Identifiers: Orphanet 101008, MedGen C1836295, MONDO:0012256, OMIM 609340.

Allele frequency attached by ClinVar (database versions not stated): gnomAD exomes 0.00001 and 0.00005; TOPMed 0.00004; ExAC 0.00008.
gnomAD v4.1: 12 of 1,577,060 alleles (0.00076%); highest among the groups gnomAD compares: Admixed American, 0.017%; 1 homozygote.

Submissions (2):

Ambry Genetics
Classification: Uncertain significance for Inborn genetic diseases. Last evaluated: 2025-03-19. Review status: criteria provided, single submitter. Criteria: Ambry Variant Classification Scheme 2023. Collection method: clinical testing. Allele origin: germline.

Labcorp Genetics (formerly Invitae), Labcorp
Classification: Uncertain significance for Hereditary spastic paraplegia 28. Last evaluated: 2021-11-19. Review status: criteria provided, single submitter. Criteria: Invitae Variant Classification Sherloc (09022015). Collection method: clinical testing. Allele origin: germline.
Comment: This sequence change replaces histidine, which is basic and polar, with tyrosine, which is neutral and polar, at codon 43 of the DDHD1 protein (p.His43Tyr). This variant is present in population databases (rs751145177, gnomAD 0.03%), including at least one homozygous and/or hemizygous individual. This variant has not been reported in the literature in individuals affected with DDHD1-related conditions. Algorithms developed to predict the effect of missense changes on protein structure and function are either unavailable or do not agree on the potential impact of this missense change (SIFT: "Deleterious"; PolyPhen-2: "Possibly Damaging"; Align-GVGD: "Class C0"). In summary, the available evidence is currently insufficient to determine the role of this variant in disease. Therefore, it has been classified as a Variant of Uncertain Significance.